The following is an entry in ClinVar:

ClinVar aggregate classification (germline): Uncertain significance. Review status: criteria provided, multiple submitters, no conflicts (2 of 4 stars). 4 submissions from 4 submitters: Uncertain significance (4). Last evaluated 2024-04-08.

Conditions:
Inborn genetic diseases. Identifiers: MedGen C0950123, MeSH D030342.
Congenital myasthenic syndrome 5. Identifiers: Orphanet 590, MedGen C1864233, MONDO:0011281, OMIM 603034.

Allele frequency attached by ClinVar (database versions not stated): gnomAD 0.00002; TOPMed 0.00005; gnomAD exomes 0.00007 and 0.00013; ESP Exome Variant Server 0.00008; ExAC 0.00010.
gnomAD v4.1: 182 of 1,601,286 alleles (0.011%); highest among the groups gnomAD compares: Middle Eastern, 0.05%; no homozygotes.

Submissions (4):

Ambry Genetics
Classification: Uncertain significance for Inborn genetic diseases. Last evaluated: 2024-04-08. Review status: criteria provided, single submitter. Criteria: Ambry Variant Classification Scheme 2023. Collection method: clinical testing. Allele origin: germline.

Labcorp Genetics (formerly Invitae), Labcorp
Classification: Uncertain significance for Congenital myasthenic syndrome 5. Last evaluated: 2022-07-19. Review status: criteria provided, single submitter. Criteria: Invitae Variant Classification Sherloc (09022015). Collection method: clinical testing. Allele origin: germline.
Comment: This sequence change replaces glycine, which is neutral and non-polar, with cysteine, which is neutral and slightly polar, at codon 162 of the COLQ protein (p.Gly162Cys). This variant is present in population databases (rs376385207, gnomAD 0.01%). This variant has not been reported in the literature in individuals affected with COLQ-related conditions. ClinVar contains an entry for this variant (Variation ID: 468346). Algorithms developed to predict the effect of missense changes on protein structure and function are either unavailable or do not agree on the potential impact of this missense change (SIFT: "Deleterious"; PolyPhen-2: "Not Available"; Align-GVGD: "Class C65"). In summary, the available evidence is currently insufficient to determine the role of this variant in disease. Therefore, it has been classified as a Variant of Uncertain Significance.

Revvity Omics, Revvity
Classification: Uncertain significance for Congenital myasthenic syndrome 5. Last evaluated: 2019-07-09. Review status: criteria provided, single submitter. Criteria: ACMG Guidelines, 2015. Collection method: clinical testing. Allele origin: germline.

Genomic Research Center, Shahid Beheshti University of Medical Sciences
Classification: Uncertain significance for Endplate acetylcholinesterase deficiency. Last evaluated: 2018-08-07. Review status: criteria provided, single submitter. Criteria: ACMG Guidelines, 2015. Collection method: clinical testing. Allele origin: inherited. Affected: yes. Observed: 1 variant allele.

NM_005677.4(COLQ):c.484G>T (p.Gly162Cys)

Gene: COLQ (collagen like tail subunit of asymmetric acetylcholinesterase; minus strand). Cytogenetic location: 3p25.1.
Variant type: single nucleotide variant.
Coding change: c.484G>T on transcript NM_005677.4 (MANE Select); coding-DNA position 484, G replaced by T.
Protein change: p.Gly162Cys; replaces glycine 162 with cysteine.
Molecular consequence: missense variant.
Genome position (GRCh38, 1-based): chr3:15,475,469, C>A on the plus strand (G>T on the coding strand, the complement: COLQ is on the minus strand). VCF-style: chr3-15475469-C-A. GRCh37 (hg19) VCF-style: chr3-15516976-C-A.
Other names: c.454G>T, p.Gly152Cys (NM_080538.2); c.382G>T, p.Gly128Cys (NM_080539.4); short protein forms G162C, G128C, G152C.
Identifiers: ClinVar variation 468346 (VCV000468346.10), dbSNP rs376385207, ClinGen allele CA2276138.
Genomic context (GRCh38, chr3:15,475,469, plus strand): 5'-TGGACCCCACACTGACCTTGGAGCCCATTGGTCCTCTTGACCCTGGCAAGCCCATCATAC[C>A]CAGGTCACCTTTTTCACCCTGTGGGAATTAGAAGAAGAAAAGACCCACGGTGATATTTTT-3'
Protein context (NP_005668.2, residues 152-172): EGPRGEKGDL[Gly162Cys]MMGLPGSRGP